The following is an entry in ClinVar:

ClinVar aggregate classification (germline): Conflicting classifications of pathogenicity. Review status: criteria provided, conflicting classifications (1 of 4 stars). 2 submissions from 2 submitters: Likely pathogenic (1); Uncertain significance (1). Last evaluated 2022-04-04.

Conditions:
Early-infantile DEE. Also called: Ohtahara syndrome; Early infantile epileptic encephalopathy; Early infantile epileptic encephalopathy with suppression bursts. Identifiers: Orphanet 1934, MedGen C0393706, MONDO:0800491.

Submissions (2):

Labcorp Genetics (formerly Invitae), Labcorp
Classification: Uncertain significance for Early-infantile DEE. Last evaluated: 2022-04-04. Review status: criteria provided, single submitter. Criteria: Invitae Variant Classification Sherloc (09022015). Collection method: clinical testing. Allele origin: germline.
Comment: In summary, the available evidence is currently insufficient to determine the role of this variant in disease. Therefore, it has been classified as a Variant of Uncertain Significance. Algorithms developed to predict the effect of missense changes on protein structure and function are either unavailable or do not agree on the potential impact of this missense change (SIFT: "Deleterious"; PolyPhen-2: "Possibly Damaging"; Align-GVGD: "Class C0"). ClinVar contains an entry for this variant (Variation ID: 207126). This variant has not been reported in the literature in individuals affected with SCN8A-related conditions. This variant is not present in population databases (gnomAD no frequency). This sequence change replaces methionine, which is neutral and non-polar, with leucine, which is neutral and non-polar, at codon 1646 of the SCN8A protein (p.Met1646Leu).

GeneDx
Classification: Likely pathogenic. Last evaluated: 2016-02-16. Review status: criteria provided, single submitter. Criteria: GeneDx Variant Classification (06012015). Collection method: clinical testing. Allele origin: germline. Affected: yes.
Comment: The M1646L variant in the SCN8A gene has not been published as a pathogenic variant, nor has it been reported as a benign polymorphism to our knowledge. The M1646L variant was not observed in approximately 6,500 individuals of European and African American ancestry in the NHLBI Exome Sequencing Project, indicating it is not a common benign variant in these populations. The M1646L variant is a conservative amino acid substitution, which is not likely to impact secondary protein structure as these residues share similar properties. This substitution occurs at a position that is conserved across species. In silico analysis is inconsistent in its predictions as to whether or not the variant is damaging to the protein structure/function. A missense variant in a nearby residue (M1645I) has been reported in the Human Gene Mutation Database in association with an SCN8A-related disorder (Stenson et al., 2014), supporting the functional importance of this region of the protein. The M1646L variant is a strong candidate. However the possibility it may be a rare benign variant cannot be excluded.

NM_001330260.2(SCN8A):c.4936A>T (p.Met1646Leu)

Gene: SCN8A (sodium voltage-gated channel alpha subunit 8; plus strand). Cytogenetic location: 12q13.13.
Variant type: single nucleotide variant.
Coding change: c.4936A>T on transcript NM_001330260.2 (MANE Select); coding-DNA position 4936, A replaced by T.
Protein change: p.Met1646Leu; replaces methionine 1646 with leucine.
Molecular consequence: missense variant.
Genome position (GRCh38, 1-based): chr12:51,806,422, A>T. VCF-style: chr12-51806422-A-T. GRCh37 (hg19) VCF-style: chr12-52200206-A-T.
Other names: p.M1646L:ATG>TTG; c.4813A>T, p.Met1605Leu (NM_001177984.3, NM_001369788.1); c.4936A>T, p.Met1646Leu (NM_014191.4); short protein forms M1646L, M1605L.
Identifiers: ClinVar variation 207126 (VCV000207126.6), dbSNP rs796053223, ClinGen allele CA318290.
Genomic context (GRCh38, chr12:51,806,422, plus strand): 5'-CGCATCTTGCGTCTGATCAAAGGCGCCAAAGGGATTCGTACCCTGCTCTTTGCCTTAATG[A>T]TGTCCTTGCCTGCCCTGTTCAACATCGGCCTTCTGCTCTTCCTGGTCATGTTCATCTTCT-3'
Protein context (NP_001317189.1, residues 1636-1656): GIRTLLFALM[Met1646Leu]SLPALFNIGL